The following is an entry in ClinVar:

ClinVar aggregate classification (germline): Uncertain significance (1 of 4 stars; one submission).

Conditions:
Malignant hyperthermia, susceptibility to, 1 (MHS1). Also called: RYR1-Related Malignant Hyperthermia Susceptibility; Malignant hyperthermia suceptibility 1; Anesthesia related hyperthermia; Malignant hyperpyrexia; Fulminating hyperpyrexia; Pharmacogenic myopathy. Identifiers: Orphanet 423, MedGen C2930980, MONDO:0007783, OMIM 145600.

Submission:

Color Diagnostics, LLC DBA Color Health
Classification: Uncertain significance for Malignant hyperthermia, susceptibility to, 1. Last evaluated: 2025-06-30. Review status: criteria provided, single submitter. Criteria: ACMG Guidelines, 2015. Collection method: clinical testing. Allele origin: germline.
Comment: This missense variant replaces aspartic acid with asparagine at codon 3727 of the RYR1 protein. Computational prediction is inconclusive regarding the impact of this variant on protein structure and function. To our knowledge, functional studies have not been reported for this variant. This variant has not been reported in individuals affected with RYR1-related disorders in the literature. This variant has not been identified in the general population by the Genome Aggregation Database (gnomAD). The available evidence is insufficient to determine the role of this variant in disease conclusively. Therefore, this variant is classified as a Variant of Uncertain Significance.

NM_000540.3(RYR1):c.11179G>A (p.Asp3727Asn)

Gene: RYR1 (ryanodine receptor 1; plus strand). Cytogenetic location: 19q13.2.
Variant type: single nucleotide variant.
Coding change: c.11179G>A on transcript NM_000540.3 (MANE Select); coding-DNA position 11179, G replaced by A.
Protein change: p.Asp3727Asn; replaces aspartic acid 3727 with asparagine.
Molecular consequence: missense variant.
Genome position (GRCh38, 1-based): chr19:38,532,527, G>A. VCF-style: chr19-38532527-G-A. GRCh37 (hg19) VCF-style: chr19-39023167-G-A.
Other names: c.11164G>A, p.Asp3722Asn (NM_001042723.2); short protein forms D3722N, D3727N.
Identifiers: ClinVar variation 4757370 (VCV004757370.1).
Genomic context (GRCh38, chr19:38,532,527, plus strand): 5'-CACTCCCCTGCTTACTTCCCCAGCAAACTGGATGAGGATTACCTGTACATGGCCTATGCT[G>A]ATATCATGGCAAAGGTGAGGCCCTACCCCCCTCTTCTGGGGCAGATTTCCCTCTCCCCAC-3'
Protein context (NP_000531.2, residues 3717-3737): DEDYLYMAYA[Asp3727Asn]IMAKSCHLEE